The following is an entry in ClinVar:

NM_001379500.1(COL18A1):c.107-12394C>T

Gene: COL18A1 (collagen type XVIII alpha 1 chain; plus strand). Cytogenetic location: 21q22.3.
Variant type: single nucleotide variant.
Coding change: c.107-12394C>T on transcript NM_001379500.1 (MANE Select); 12394 bases into the intron before coding-DNA position 107, C replaced by T.
Molecular consequence: intron variant. On other transcripts: synonymous variant (2).
Genome position (GRCh38, 1-based): chr21:45,455,848, C>T. VCF-style: chr21-45455848-C-T. GRCh37 (hg19) VCF-style: chr21-46875762-C-T.
Other names: c.318C>T, p.Asn106= (NM_030582.4, NM_130444.3); c.318C>T (NM_030582.3).
Identifiers: ClinVar variation 1659782 (VCV001659782.9), dbSNP rs1400930331, ClinGen allele CA513167729.

ClinVar aggregate classification (germline): Likely benign. Review status: criteria provided, multiple submitters, no conflicts (2 of 4 stars). 2 submissions from 2 submitters: Likely benign (2). Last evaluated 2026-07-15.

Conditions:
COL18A1-related disorder. Also called: COL18A1-related disorders; COL18A1-related condition.

Allele frequency attached by ClinVar (database versions not stated): gnomAD exomes below 0.00001 and 0.00002; TOPMed 0.00001.
gnomAD v4.1: 24 of 1,613,198 alleles (0.0015%); highest among the groups gnomAD compares: Non-Finnish European, 0.0019%; no homozygotes.

Submissions (2):

PreventionGenetics, part of Exact Sciences
Classification: Likely benign for COL18A1-related condition. Last evaluated: 2026-07-15. Review status: criteria provided, single submitter. Criteria: ACMG Guidelines, 2015. Collection method: clinical testing. Allele origin: germline.
Comment: This variant is classified as likely benign based on ACMG/AMP sequence variant interpretation guidelines (Richards et al. 2015 PMID: 25741868, with internal and published modifications).

Labcorp Genetics (formerly Invitae), Labcorp
Classification: Likely benign. Last evaluated: 2025-09-16. Review status: criteria provided, single submitter. Criteria: Invitae Variant Classification Sherloc (09022015). Collection method: clinical testing. Allele origin: germline.